The following is an entry in ClinVar:

ClinVar aggregate classification (germline): Conflicting classifications of pathogenicity. Review status: criteria provided, conflicting classifications (1 of 4 stars). 2 submissions from 2 submitters: Uncertain significance (1); Likely benign (1). Last evaluated 2025-11-01.

Conditions:
Inborn genetic diseases. Identifiers: MedGen C0950123, MeSH D030342.

gnomAD v4.1: 328 of 1,582,672 alleles (0.021%); highest among the groups gnomAD compares: African/African-American, 0.4%; no homozygotes.

Submissions (2):

CeGaT Center for Human Genetics Tuebingen
Classification: Likely benign. Last evaluated: 2025-11-01. Review status: criteria provided, single submitter. Criteria: CeGaT Center For Human Genetics Tuebingen Variant Classification Criteria Version 2. Collection method: clinical testing. Allele origin: germline. Affected: yes. Observed: 1 variant allele.
Comment: EMILIN1: BS1

Ambry Genetics
Classification: Uncertain significance for Inborn genetic diseases. Last evaluated: 2025-04-09. Review status: criteria provided, single submitter. Criteria: Ambry Variant Classification Scheme 2023. Collection method: clinical testing. Allele origin: germline.

NM_007046.4(EMILIN1):c.1385G>C (p.Gly462Ala)

Gene: EMILIN1 (elastin microfibril interfacer 1; plus strand). Cytogenetic location: 2p23.3.
Variant type: single nucleotide variant.
Coding change: c.1385G>C on transcript NM_007046.4 (MANE Select); coding-DNA position 1385, G replaced by C.
Protein change: p.Gly462Ala; replaces glycine 462 with alanine.
Molecular consequence: missense variant.
Genome position (GRCh38, 1-based): chr2:27,082,956, G>C. VCF-style: chr2-27082956-G-C. GRCh37 (hg19) VCF-style: chr2-27305824-G-C.
Other names: short protein forms G462A.
Identifiers: ClinVar variation 4017761 (VCV004017761.7).